The following is an entry in ClinVar:

ClinVar aggregate classification (germline): Uncertain significance (1 of 4 stars; one submission).

Allele frequency attached by ClinVar (database versions not stated): gnomAD exomes below 0.00001 and 0.00001; TOPMed below 0.00001; ExAC 0.00001; gnomAD 0.00002.
gnomAD v4.1: 8 of 1,609,070 alleles (0.0005%); highest among the groups gnomAD compares: Non-Finnish European, 0.00068%; no homozygotes.

Submission:

Labcorp Genetics (formerly Invitae), Labcorp
Classification: Uncertain significance. Last evaluated: 2022-06-03. Review status: criteria provided, single submitter. Criteria: Invitae Variant Classification Sherloc (09022015). Collection method: clinical testing. Allele origin: germline.
Comment: This sequence change replaces proline, which is neutral and non-polar, with leucine, which is neutral and non-polar, at codon 8 of the EXOSC2 protein (p.Pro8Leu). This variant is present in population databases (rs759215090, gnomAD 0.003%). This variant has not been reported in the literature in individuals affected with EXOSC2-related conditions. ClinVar contains an entry for this variant (Variation ID: 1436494). Algorithms developed to predict the effect of missense changes on protein structure and function are either unavailable or do not agree on the potential impact of this missense change (SIFT: "Deleterious"; PolyPhen-2: "Benign"; Align-GVGD: "Class C15"). In summary, the available evidence is currently insufficient to determine the role of this variant in disease. Therefore, it has been classified as a Variant of Uncertain Significance.

NM_014285.7(EXOSC2):c.23C>T (p.Pro8Leu)

Gene: EXOSC2 (exosome component 2; plus strand). Cytogenetic location: 9q34.12.
Variant type: single nucleotide variant.
Coding change: c.23C>T on transcript NM_014285.7 (MANE Select); coding-DNA position 23, C replaced by T.
Protein change: p.Pro8Leu; replaces proline 8 with leucine.
Molecular consequence: missense variant. On other transcripts: non-coding transcript variant (1).
Genome position (GRCh38, 1-based): chr9:130,693,814, C>T. VCF-style: chr9-130693814-C-T. GRCh37 (hg19) VCF-style: chr9-133569201-C-T.
Other names: c.23C>T, p.Pro8Leu (NM_001282708.1, NM_001282709.1); short protein forms P8L.
Identifiers: ClinVar variation 1436494 (VCV001436494.6), dbSNP rs759215090, ClinGen allele CA5284711.